The following is an entry in ClinVar:

ClinVar aggregate classification (germline): Pathogenic. Review status: criteria provided, single submitter (1 of 4 stars). 2 submissions from 2 submitters: Pathogenic (1). 1 of the submissions does not count toward it. Last evaluated 2024-08-28.

Conditions:
Developmental and epileptic encephalopathy 118. Identifiers: MedGen C6012741, MONDO:0979238, OMIM 621250.
Inborn genetic diseases. Identifiers: MedGen C0950123, MeSH D030342.

Submissions (2):

Ambry Genetics
Classification: Pathogenic for Inborn genetic diseases. Last evaluated: 2024-08-28. Review status: criteria provided, single submitter. Criteria: Ambry Variant Classification Scheme 2023. Collection method: clinical testing. Allele origin: germline.
Comment: The c.1979G>C (p.R660T) alteration is located in exon 21 (coding exon 20) of the TMEM63B gene. This alteration results from a G to C substitution at nucleotide position 1979, causing the arginine (R) at amino acid position 660 to be replaced by a threonine (T). This variant was not reported in population-based cohorts in the Genome Aggregation Database (gnomAD). This variant has been determined to be the result of a de novo mutation in one individual with features consistent with TMEM63B-related neurodevelopmental disorder (Vetro, 2023). This amino acid position is highly conserved in available vertebrate species. This missense alteration is located in a region that has a low rate of benign missense variation (Lek, 2016; Firth, 2009). In an assay testing TMEM63B function, this variant showed a functionally abnormal result (Vetro, 2023). This alteration is predicted to be deleterious by in silico analysis. Based on the available evidence, this alteration is classified as pathogenic.

OMIM
Classification: Pathogenic for DEVELOPMENTAL AND EPILEPTIC ENCEPHALOPATHY 118. Last evaluated: 2025-07-01. Review status: no assertion criteria provided. Collection method: literature only. Allele origin: germline. Not counted in ClinVar's aggregate classification.

Literature cited by the submitters: PubMed 37421948 (cited by Ambry Genetics and OMIM).

NM_018426.3(TMEM63B):c.1979G>C (p.Arg660Thr)

Gene: TMEM63B (transmembrane protein 63B; plus strand). Cytogenetic location: 6p21.1.
Variant type: single nucleotide variant.
Coding change: c.1979G>C on transcript NM_018426.3 (MANE Select); coding-DNA position 1979, G replaced by C.
Protein change: p.Arg660Thr; replaces arginine 660 with threonine.
Molecular consequence: missense variant.
Genome position (GRCh38, 1-based): chr6:44,153,712, G>C. VCF-style: chr6-44153712-G-C. GRCh37 (hg19) VCF-style: chr6-44121449-G-C.
Other names: c.1979G>C, p.Arg660Thr (NM_001318792.1); short protein forms R660T.
Identifiers: ClinVar variation 3458515 (VCV003458515.2).
Genomic context (GRCh38, chr6:44,153,712, plus strand): 5'-CAGGGCCCATGTGGCTTCCCTTAGGGCTCATGTACATGCTGCTGAAGCACCTGGTAGACA[G>C]GTACAATCTCTACTACGCCTACCTGCCGGCCAAGCTGGACAAGAAGATCCACTCGGGGGC-3'
Protein context (NP_060896.1, residues 650-670): MYMLLKHLVD[Arg660Thr]YNLYYAYLPA